The following is an entry in ClinVar:

NM_001080517.3(SETD5):c.716C>A (p.Ser239Tyr)

Gene: SETD5 (SET domain containing 5; plus strand). Cytogenetic location: 3p25.3.
Variant type: single nucleotide variant.
Coding change: c.716C>A on transcript NM_001080517.3 (MANE Select); coding-DNA position 716, C replaced by A.
Protein change: p.Ser239Tyr; replaces serine 239 with tyrosine.
Molecular consequence: missense variant.
Genome position (GRCh38, 1-based): chr3:9,440,604, C>A. VCF-style: chr3-9440604-C-A. GRCh37 (hg19) VCF-style: chr3-9482288-C-A.
Other names: c.422C>A, p.Ser141Tyr (NM_001292043.2, NM_001349451.2); short protein forms S239Y, S141Y.
Identifiers: ClinVar variation 2876779 (VCV002876779.3), dbSNP rs375003888, ClinGen allele CA351687750.

ClinVar aggregate classification (germline): Uncertain significance (1 of 4 stars; one submission).

gnomAD v4.1: 1 of 1,613,918 alleles (0.000062%); highest among the groups gnomAD compares: Non-Finnish European, 0.000085%; no homozygotes.

Submission:

Labcorp Genetics (formerly Invitae), Labcorp
Classification: Uncertain significance. Last evaluated: 2023-10-13. Review status: criteria provided, single submitter. Criteria: Invitae Variant Classification Sherloc (09022015). Collection method: clinical testing. Allele origin: germline.
Comment: This sequence change replaces serine, which is neutral and polar, with tyrosine, which is neutral and polar, at codon 239 of the SETD5 protein (p.Ser239Tyr). This variant is present in population databases (no rsID available, gnomAD 0.0009%). This variant has not been reported in the literature in individuals affected with SETD5-related conditions. Advanced modeling of protein sequence and biophysical properties (such as structural, functional, and spatial information, amino acid conservation, physicochemical variation, residue mobility, and thermodynamic stability) has been performed at Invitae for this missense variant, however the output from this modeling did not meet the statistical confidence thresholds required to predict the impact of this variant on SETD5 protein function. In summary, the available evidence is currently insufficient to determine the role of this variant in disease. Therefore, it has been classified as a Variant of Uncertain Significance.